The following is an entry in ClinVar:

NM_022051.3(EGLN1):c.785A>T (p.Lys262Met)

Genes: EGLN1 (egl-9 family hypoxia inducible factor 1; minus strand), LOC129932769 (ATAC-STARR-seq lymphoblastoid active region 2730; plus strand). Cytogenetic location: 1q42.2.
Variant type: single nucleotide variant.
Coding change: c.785A>T on transcript NM_022051.3 (MANE Select); coding-DNA position 785, A replaced by T.
Protein change: p.Lys262Met; replaces lysine 262 with methionine.
Molecular consequence: missense variant.
Genome position (GRCh38, 1-based): chr1:231,421,104, T>A on the plus strand (A>T on the coding strand, the complement: EGLN1 is on the minus strand). VCF-style: chr1-231421104-T-A. GRCh37 (hg19) VCF-style: chr1-231556850-T-A.
Other names: c.785A>T, p.Lys262Met (NM_001377260.1, NM_001377261.1); short protein forms K262M.
Identifiers: ClinVar variation 1760911 (VCV001760911.2), dbSNP rs1656575784, ClinGen allele CA345235270.

ClinVar aggregate classification (germline): Uncertain significance (1 of 4 stars; one submission).

Submission:

Ambry Genetics
Classification: Uncertain significance. Last evaluated: 2022-04-11. Review status: criteria provided, single submitter. Criteria: Ambry Variant Classification Scheme 2023. Collection method: clinical testing. Allele origin: germline.
Comment: The p.K262M variant (also known as c.785A>T), located in coding exon 1 of the EGLN1 gene, results from an A to T substitution at nucleotide position 785. The lysine at codon 262 is replaced by methionine, an amino acid with similar properties. This amino acid position is conserved. In addition, the in silico prediction for this alteration is inconclusive. Since supporting evidence is limited at this time, the clinical significance of this alteration remains unclear.